The following is an entry in ClinVar:

NM_001160372.4(TRAPPC9):c.731-2A>C

Gene: TRAPPC9 (trafficking protein particle complex subunit 9; minus strand). Cytogenetic location: 8q24.3.
Variant type: single nucleotide variant.
Coding change: c.731-2A>C on transcript NM_001160372.4 (MANE Select); the canonical splice acceptor site of the intron before coding-DNA position 731, A replaced by C.
Molecular consequence: splice acceptor variant.
Genome position (GRCh38, 1-based): chr8:140,435,242, T>G on the plus strand (A>C on the coding strand, the complement: TRAPPC9 is on the minus strand). VCF-style: chr8-140435242-T-G. GRCh37 (hg19) VCF-style: chr8-141445341-T-G.
Other names: c.731-2A>C (NM_031466.8, NM_001321646.2, NM_001374684.1 and 1 more transcripts); c.752-2A>C (NM_001374682.1).
Identifiers: ClinVar variation 2743769 (VCV002743769.3), dbSNP rs2070773527, ClinGen allele CA372317504.

ClinVar aggregate classification (germline): Likely pathogenic (1 of 4 stars; one submission).

Submission:

Labcorp Genetics (formerly Invitae), Labcorp
Classification: Likely pathogenic. Last evaluated: 2023-07-25. Review status: criteria provided, single submitter. Criteria: Invitae Variant Classification Sherloc (09022015). Collection method: clinical testing. Allele origin: germline.
Comment: This variant is not present in population databases (gnomAD no frequency). This sequence change affects an acceptor splice site in intron 3 of the TRAPPC9 gene. It is expected to disrupt RNA splicing. Variants that disrupt the donor or acceptor splice site typically lead to a loss of protein function (PMID: 16199547), and loss-of-function variants in TRAPPC9 are known to be pathogenic (PMID: 2000476, 20004763, 20004764). This variant has not been reported in the literature in individuals affected with TRAPPC9-related conditions. Algorithms developed to predict the effect of sequence changes on RNA splicing suggest that this variant may disrupt the consensus splice site. In summary, the currently available evidence indicates that the variant is pathogenic, but additional data are needed to prove that conclusively. Therefore, this variant has been classified as Likely Pathogenic.

Literature cited by the submitters: PubMed 16199547; PubMed 2000476; PubMed 20004763; PubMed 20004764.